The following is an entry in ClinVar:

ClinVar aggregate classification (germline): Uncertain significance. Review status: criteria provided, multiple submitters, no conflicts (2 of 4 stars). 4 submissions from 4 submitters: Uncertain significance (2). 2 of the submissions do not count toward it. Last evaluated 2025-03-13.

Conditions:
TRPV4-related disorder. Also called: TRPV4-related condition; TRPV4-related disorders.
Skeletal dysplasia. Also called: Primary bone dysplasia. Identifiers: Orphanet 364526, MedGen C0410528, MONDO:0018230, HP:0002652.
Metatropic dysplasia (MTD). Also called: METATROPIC DWARFISM; Metatropic Dysplasia, TRPV4-Related; Metatropic dysplasia, nonlethal dominant. Identifiers: Orphanet 2635, MedGen C0265281, MONDO:0007986, OMIM 156530.
Charcot-Marie-Tooth disease axonal type 2C (HMSN2C). Also called: Charcot-Marie-Tooth Disease Type 2, TRPV4-Related (CMT2C); CHARCOT-MARIE-TOOTH DISEASE, AXONAL, AUTOSOMAL DOMINANT, TYPE 2C; Charcot-Marie-Tooth Neuropathy Type 2C. Identifiers: Orphanet 99937, MedGen C1853710, MONDO:0011633, OMIM 606071.

Submissions (4):

PreventionGenetics, part of Exact Sciences
Classification: Uncertain significance for TRPV4-related condition. Last evaluated: 2025-03-13. Review status: criteria provided, single submitter. Criteria: ACMG Guidelines, 2015. Collection method: clinical testing. Allele origin: germline.
Comment: The TRPV4 c.590A>G variant is predicted to result in the amino acid substitution p.Lys197Arg. This variant has been reported in an individual with metatropic dysplasia (Camacho et al. 2010. PubMed ID: 20425821). An ATP-agarose pull-down assay demonstrated this variant significantly weakened ATP binding ability (Inada et al. 2012. PubMed ID: 22702953). This variant has not been reported in a large population database (gnomAD), indicating it is rare. Although we suspect that this variant may be pathogenic, at this time, the clinical significance of this variant is uncertain due to the absence of conclusive functional and genetic evidence.

Labcorp Genetics (formerly Invitae), Labcorp
Classification: Uncertain significance for Charcot-Marie-Tooth disease axonal type 2C. Last evaluated: 2020-06-06. Review status: criteria provided, single submitter. Criteria: Invitae Variant Classification Sherloc (09022015). Collection method: clinical testing. Allele origin: germline.
Comment: This sequence change replaces lysine with arginine at codon 197 of the TRPV4 protein (p.Lys197Arg). The lysine residue is moderately conserved and there is a small physicochemical difference between lysine and arginine. This variant is not present in population databases (ExAC no frequency). This variant has been observed in individual(s) with metatropic dysplasia (PMID: 20425821). ClinVar contains an entry for this variant (Variation ID: 30471). This variant has been reported to affect TRPV4 protein function (PMID: 22702953). Algorithms developed to predict the effect of sequence changes on RNA splicing suggest that this variant may create or strengthen a splice site, but this prediction has not been confirmed by published transcriptional studies. In summary, the available evidence is currently insufficient to determine the role of this variant in disease. Therefore, it has been classified as a Variant of Uncertain Significance.

OMIM
Classification: Pathogenic for METATROPIC DYSPLASIA. Last evaluated: 2010-05-01. Review status: no assertion criteria provided. Collection method: literature only. Allele origin: germline. Not counted in ClinVar's aggregate classification.

GeneReviews
No classification provided. Condition: Skeletal dysplasia. Review status: no classification provided. Collection method: literature only. Allele origin: germline. Affected: yes. Not counted in ClinVar's aggregate classification.

Literature cited by the submitters: PubMed 20425821 (cited by Labcorp Genetics (formerly Invitae), Labcorp and OMIM); PubMed 22702953 (cited by Labcorp Genetics (formerly Invitae), Labcorp); NCBI Bookshelf NBK201366 (cited by GeneReviews).

NM_021625.5(TRPV4):c.590A>G (p.Lys197Arg)

Gene: TRPV4 (transient receptor potential cation channel subfamily V member 4; minus strand). Cytogenetic location: 12q24.11.
Variant type: single nucleotide variant.
Coding change: c.590A>G on transcript NM_021625.5 (MANE Select); coding-DNA position 590, A replaced by G.
Protein change: p.Lys197Arg; replaces lysine 197 with arginine.
Molecular consequence: missense variant.
Genome position (GRCh38, 1-based): chr12:109,803,113, T>C on the plus strand (A>G on the coding strand, the complement: TRPV4 is on the minus strand). VCF-style: chr12-109803113-T-C. GRCh37 (hg19) VCF-style: chr12-110240918-T-C.
Other names: c.590A>G, p.Lys197Arg (NM_001177428.2, NM_001177433.2, NM_147204.3); c.488A>G, p.Lys163Arg (NM_001177431.2); short protein forms K197R, K163R.
Identifiers: ClinVar variation 30471 (VCV000030471.14), dbSNP rs387906903, ClinGen allele CA129245.